The following is an entry in ClinVar:

ClinVar aggregate classification (germline): Uncertain significance (1 of 4 stars; one submission).

Submission:

Labcorp Genetics (formerly Invitae), Labcorp
Classification: Uncertain significance. Last evaluated: 2022-02-08. Review status: criteria provided, single submitter. Criteria: Invitae Variant Classification Sherloc (09022015). Collection method: clinical testing. Allele origin: germline.
Comment: This variant has not been reported in the literature in individuals affected with PNPT1-related conditions. This variant results in a copy number gain of the genomic region encompassing exon(s) 8-18 of the PNPT1 gene. While the exact position of this variant cannot be determined from the data, sub-genic copy number gains are generally in tandem (PMID: 25640679). This variant is predicted to be in-frame, and likely preserves the integrity of the reading frame. In summary, the available evidence is currently insufficient to determine the role of this variant in disease. Therefore, it has been classified as a Variant of Uncertain Significance.

Literature cited by the submitters: PubMed 25640679.

NC_000002.11:g.(?_55882015)_(55906950_?)dup

Gene: PNPT1 (polyribonucleotide nucleotidyltransferase 1; minus strand). Cytogenetic location: 2p16.1.
Variant type: Duplication.
Identifiers: ClinVar variation 2427123 (VCV002427123.4).